The following is an entry in ClinVar:

NM_000215.4(JAK3):c.1476del (p.His492fs)

Gene: JAK3 (Janus kinase 3; minus strand). Cytogenetic location: 19p13.11.
Variant type: Deletion.
Coding change: c.1476del on transcript NM_000215.4 (MANE Select); coding-DNA position 1476, one base deleted (C; older notation c.1476delC).
Protein change: p.His492fs; shifts the reading frame from histidine 492.
Molecular consequence: frameshift variant.
Genome position (GRCh38, 1-based): chr19:17,838,356, G deleted on the plus strand (C on the coding strand, the reverse complement: JAK3 is on the minus strand). VCF-style (leftmost placement, unchanged base first): chr19-17838355-TG-T. GRCh37 (hg19) VCF-style: chr19-17949164-TG-T.
Other names: short protein forms H492fs.
Identifiers: ClinVar variation 2832336 (VCV002832336.5), dbSNP rs2094229550, ClinGen allele CA2326055073.

ClinVar aggregate classification (germline): Pathogenic/Likely pathogenic. Review status: criteria provided, multiple submitters, no conflicts (2 of 4 stars). 3 submissions from 3 submitters: Pathogenic (1); Likely pathogenic (2). Last evaluated 2024-03-26.

Conditions:
JAK3-related disorder. Also called: JAK3-related condition.
T-B+ severe combined immunodeficiency due to JAK3 deficiency. Also called: SCID, autosomal recessive, T-negative/B-positive type; SCID, T CELL-NEGATIVE, B CELL-POSITIVE, NK CELL-NEGATIVE. Identifiers: Orphanet 35078, MedGen C1833275, MONDO:0010938, OMIM 600802.

Allele frequency attached by ClinVar (database versions not stated): TOPMed below 0.00001.

Submissions (3):

Fulgent Genetics
Classification: Likely pathogenic for T-B+ severe combined immunodeficiency due to JAK3 deficiency. Last evaluated: 2024-03-26. Review status: criteria provided, single submitter. Criteria: ACMG Guidelines, 2015. Collection method: clinical testing. Allele origin: germline.

Labcorp Genetics (formerly Invitae), Labcorp
Classification: Pathogenic for T-B+ severe combined immunodeficiency due to JAK3 deficiency. Last evaluated: 2023-05-31. Review status: criteria provided, single submitter. Criteria: Invitae Variant Classification Sherloc (09022015). Collection method: clinical testing. Allele origin: germline.
Comment: This sequence change creates a premature translational stop signal (p.His492Glnfs*17) in the JAK3 gene. It is expected to result in an absent or disrupted protein product. Loss-of-function variants in JAK3 are known to be pathogenic (PMID: 7481768, 11668621). This variant is not present in population databases (gnomAD no frequency). This variant has not been reported in the literature in individuals affected with JAK3-related conditions. For these reasons, this variant has been classified as Pathogenic.

Blueprint Genetics
Classification: Likely pathogenic for JAK3-related disorders. Last evaluated: 2022-08-09. Review status: criteria provided, single submitter. Criteria: ACMG Guidelines, 2015. Collection method: clinical testing. Allele origin: germline. Affected: yes. Observed: 1 variant allele.

Literature cited by the submitters: PubMed 7481768 (cited by Labcorp Genetics (formerly Invitae), Labcorp); PubMed 11668621 (cited by Labcorp Genetics (formerly Invitae), Labcorp).